The following is an entry in ClinVar:

NM_033056.4(PCDH15):c.5585T>C (p.Met1862Thr)

Gene: PCDH15 (protocadherin related 15; minus strand). Cytogenetic location: 10q21.1.
Variant type: single nucleotide variant.
Coding change: c.5585T>C on transcript NM_033056.4 (MANE Plus Clinical); coding-DNA position 5585, T replaced by C.
Protein change: p.Met1862Thr; replaces methionine 1862 with threonine.
Molecular consequence: missense variant. On other transcripts: intron variant (8).
Genome position (GRCh38, 1-based): chr10:53,822,141, A>G on the plus strand (T>C on the coding strand, the complement: PCDH15 is on the minus strand). VCF-style: chr10-53822141-A-G. GRCh37 (hg19) VCF-style: chr10-55581901-A-G.
Other names: c.5576T>C, p.Met1859Thr (NM_001142766.2); c.5465T>C, p.Met1822Thr (NM_001142767.2); c.5525T>C, p.Met1842Thr (NM_001142768.2); c.5516T>C, p.Met1839Thr (NM_001142773.2); c.5519T>C, p.Met1840Thr (NM_001354404.2); c.4367+5252T>C (NM_001354420.2); c.4368-4128T>C (NM_001354429.2); c.4368-1911T>C (NM_001384140.1); and 7 more; short protein forms M1793T, M1822T, M1839T, M1840T, M1842T, M1859T, M1862T, M1864T.
Identifiers: ClinVar variation 3343267 (VCV003343267.2).

ClinVar aggregate classification (germline): Uncertain significance. Review status: criteria provided, multiple submitters, no conflicts (2 of 4 stars). 2 submissions from 2 submitters: Uncertain significance (2). Last evaluated 2025-09-11.

Conditions:
Inborn genetic diseases. Identifiers: MedGen C0950123, MeSH D030342.

gnomAD v4.1: 3 of 1,614,038 alleles (0.00019%); highest among the groups gnomAD compares: Non-Finnish European, 0.00025%; no homozygotes.

Submissions (2):

Ambry Genetics
Classification: Uncertain significance for Inborn genetic diseases. Last evaluated: 2025-09-11. Review status: criteria provided, single submitter. Criteria: Ambry Variant Classification Scheme 2023. Collection method: clinical testing. Allele origin: germline.

GeneDx
Classification: Uncertain significance. Last evaluated: 2023-05-09. Review status: criteria provided, single submitter. Criteria: GeneDx Variant Classification Process June 2021. Collection method: clinical testing. Allele origin: germline. Affected: yes.
Comment: Not observed at significant frequency in large population cohorts (gnomAD); In silico analysis supports that this missense variant does not alter protein structure/function; Has not been previously published as pathogenic or benign to our knowledge